The following is an entry in ClinVar:

NM_000161.3(GCH1):c.416C>T (p.Ser139Phe)

Gene: GCH1 (GTP cyclohydrolase 1; minus strand). Cytogenetic location: 14q22.2.
Variant type: single nucleotide variant.
Coding change: c.416C>T on transcript NM_000161.3 (MANE Select); coding-DNA position 416, C replaced by T.
Protein change: p.Ser139Phe; replaces serine 139 with phenylalanine.
Molecular consequence: missense variant.
Genome position (GRCh38, 1-based): chr14:54,865,364, G>A on the plus strand (C>T on the coding strand, the complement: GCH1 is on the minus strand). VCF-style: chr14-54865364-G-A. GRCh37 (hg19) VCF-style: chr14-55332082-G-A.
Other names: c.416C>T, p.Ser139Phe (NM_001024024.2, NM_001024070.2, NM_001024071.2); short protein forms S139F.
Identifiers: ClinVar variation 1367068 (VCV001367068.5), dbSNP rs144542994, ClinGen allele CA260556632.

ClinVar aggregate classification (germline): Uncertain significance (1 of 4 stars; one submission).

Conditions:
Dystonia 5 (DRD). Also called: GTP Cyclohydrolase 1-Deficient Dopa-Responsive Dystonia; DYSTONIA, PROGRESSIVE, WITH DIURNAL VARIATION; DYSTONIA-PARKINSONISM WITH DIURNAL FLUCTUATION; Dystonia, DOPA-responsive, with or without hyperphenylalaninemia; DYT-GCH1. Identifiers: Orphanet 98808, MedGen C1851920, MONDO:0007495, OMIM 128230.
GTP cyclohydrolase I deficiency. Identifiers: MedGen C0268467, MONDO:0100184.

Submission:

Labcorp Genetics (formerly Invitae), Labcorp
Classification: Uncertain significance for GTP cyclohydrolase I deficiency; Dystonia 5. Last evaluated: 2023-06-09. Review status: criteria provided, single submitter. Criteria: Invitae Variant Classification Sherloc (09022015). Collection method: clinical testing. Allele origin: germline.
Comment: This sequence change replaces serine, which is neutral and polar, with phenylalanine, which is neutral and non-polar, at codon 139 of the GCH1 protein (p.Ser139Phe). This variant is not present in population databases (gnomAD no frequency). This variant has not been reported in the literature in individuals affected with GCH1-related conditions. ClinVar contains an entry for this variant (Variation ID: 1367068). Advanced modeling of protein sequence and biophysical properties (such as structural, functional, and spatial information, amino acid conservation, physicochemical variation, residue mobility, and thermodynamic stability) performed at Invitae indicates that this missense variant is expected to disrupt GCH1 protein function. In summary, the available evidence is currently insufficient to determine the role of this variant in disease. Therefore, it has been classified as a Variant of Uncertain Significance.